The following is an entry in ClinVar:

ClinVar aggregate classification (germline): Uncertain significance. Review status: criteria provided, multiple submitters, no conflicts (2 of 4 stars). 3 submissions from 3 submitters: Uncertain significance (3). Last evaluated 2024-07-08.

Conditions:
Familial cancer of breast. Also called: BREAST CANCER, FAMILIAL; hereditary breast carcinoma; Hereditary breast cancer. Identifiers: Orphanet 227535, MedGen C0346153, MONDO:0016419, OMIM 114480. Disease mechanism: loss of function.
Fanconi anemia complementation group J. Also called: BRIP1-Related Fanconi Anemia. Identifiers: Orphanet 84, MedGen C1836860, MONDO:0012187, OMIM 609054.
Hereditary cancer-predisposing syndrome. Also called: Hereditary Cancer Syndrome; Neoplastic Syndromes, Hereditary; Tumor predisposition; Hereditary neoplastic syndrome. Identifiers: Orphanet 140162, MedGen C0027672, MeSH D009386, MONDO:0015356.

Submissions (3):

Labcorp Genetics (formerly Invitae), Labcorp
Classification: Uncertain significance for Familial cancer of breast; Fanconi anemia complementation group J. Last evaluated: 2024-07-08. Review status: criteria provided, single submitter. Criteria: Invitae Variant Classification Sherloc (09022015). Collection method: clinical testing. Allele origin: germline.
Comment: This sequence change replaces lysine, which is basic and polar, with asparagine, which is neutral and polar, at codon 191 of the BRIP1 protein (p.Lys191Asn). This variant is not present in population databases (gnomAD no frequency). This variant has not been reported in the literature in individuals affected with BRIP1-related conditions. ClinVar contains an entry for this variant (Variation ID: 631036). Advanced modeling of protein sequence and biophysical properties (such as structural, functional, and spatial information, amino acid conservation, physicochemical variation, residue mobility, and thermodynamic stability) performed at Invitae indicates that this missense variant is not expected to disrupt BRIP1 protein function with a negative predictive value of 80%. In summary, the available evidence is currently insufficient to determine the role of this variant in disease. Therefore, it has been classified as a Variant of Uncertain Significance.

Color Diagnostics, LLC DBA Color Health
Classification: Uncertain significance for Hereditary cancer-predisposing syndrome. Last evaluated: 2024-03-06. Review status: criteria provided, single submitter. Criteria: ACMG Guidelines, 2015. Collection method: clinical testing. Allele origin: germline.
Comment: This missense variant replaces lysine with asparagine at codon 191 of the BRIP1 protein. Computational prediction suggests that this variant may not impact protein structure and function (internally defined REVEL score threshold <= 0.5, PMID: 27666373). Splice site prediction tools suggest that this variant may not impact RNA splicing. To our knowledge, functional studies have not been performed for this variant. This variant has not been reported in individuals affected with hereditary cancer in the literature. This variant has not been identified in the general population by the Genome Aggregation Database (gnomAD). The available evidence is insufficient to determine the role of this variant in disease conclusively. Therefore, this variant is classified as a Variant of Uncertain Significance.

Department of Pathology and Laboratory Medicine, Sinai Health System
Classification: Uncertain significance for Familial cancer of breast. Last evaluated: 2022-09-28. Review status: criteria provided, single submitter. Criteria: ACMG Guidelines, 2015. Collection method: clinical testing. Allele origin: germline. Affected: yes.

NM_032043.3(BRIP1):c.573G>T (p.Lys191Asn)

Gene: BRIP1 (BRCA1 interacting DNA helicase 1; minus strand). Cytogenetic location: 17q23.2.
Variant type: single nucleotide variant.
Coding change: c.573G>T on transcript NM_032043.3 (MANE Select); coding-DNA position 573, G replaced by T.
Protein change: p.Lys191Asn; replaces lysine 191 with asparagine.
Molecular consequence: missense variant.
Genome position (GRCh38, 1-based): chr17:61,847,155, C>A on the plus strand (G>T on the coding strand, the complement: BRIP1 is on the minus strand). VCF-style: chr17-61847155-C-A. GRCh37 (hg19) VCF-style: chr17-59924516-C-A.
Other names: short protein forms K191N.
Identifiers: ClinVar variation 631036 (VCV000631036.8), dbSNP rs1567866683, ClinGen allele CA400483047.
Genomic context (GRCh38, chr17:61,847,155, plus strand): 5'-ACATACTTTCTGTGGCGAAAAGGAGTTTATCTTTTCCAGTGGAGAGTTGAGTTTTACAGT[C>A]TTTCCTGAATCAACTTTTGCATCCAAATTGTGTACTTCTGTTCCAAAGCAATGACGTTTT-3'
Protein context (NP_114432.2, residues 181-201): HNLDAKVDSG[Lys191Asn]TVKLNSPLEK